The following is an entry in ClinVar:

NM_001184.4(ATR):c.7496T>G (p.Phe2499Cys)

Gene: ATR (ATR serine/threonine kinase; minus strand). Cytogenetic location: 3q23.
Variant type: single nucleotide variant.
Coding change: c.7496T>G on transcript NM_001184.4 (MANE Select); coding-DNA position 7496, T replaced by G.
Protein change: p.Phe2499Cys; replaces phenylalanine 2499 with cysteine.
Molecular consequence: missense variant.
Genome position (GRCh38, 1-based): chr3:142,458,965, A>C on the plus strand (T>G on the coding strand, the complement: ATR is on the minus strand). VCF-style: chr3-142458965-A-C. GRCh37 (hg19) VCF-style: chr3-142177807-A-C.
Other names: c.7304T>G, p.Phe2435Cys (NM_001354579.2); short protein forms F2435C, F2499C.
Identifiers: ClinVar variation 3462363 (VCV003462363.1).

ClinVar aggregate classification (germline): Uncertain significance (1 of 4 stars; one submission).

Conditions:
Inborn genetic diseases. Identifiers: MedGen C0950123, MeSH D030342.

Submission:

Ambry Genetics
Classification: Uncertain significance for Inborn genetic diseases. Last evaluated: 2024-07-02. Review status: criteria provided, single submitter. Criteria: Ambry Variant Classification Scheme 2023. Collection method: clinical testing. Allele origin: germline.
Comment: The p.F2499C variant (also known as c.7496T>G), located in coding exon 44 of the ATR gene, results from a T to G substitution at nucleotide position 7496. The phenylalanine at codon 2499 is replaced by cysteine, an amino acid with highly dissimilar properties. This amino acid position is conserved. In addition, this alteration is predicted to be deleterious by in silico analysis. Based on the available evidence, the clinical significance of this variant remains unclear.